The following is an entry in ClinVar:

ClinVar aggregate classification (germline): Uncertain significance (0 of 4 stars; one submission).

Conditions:
KIDINS220-related disorder. Also called: KIDINS220-related condition.

gnomAD v4.1: 4 of 1,608,538 alleles (0.00025%); highest among the groups gnomAD compares: South Asian, 0.0044%; no homozygotes.

Submission:

PreventionGenetics, part of Exact Sciences
Classification: Uncertain significance for KIDINS220-related condition. Last evaluated: 2023-12-04. Review status: no assertion criteria provided. Collection method: clinical testing. Allele origin: germline.
Comment: The KIDINS220 c.260T>C variant is predicted to result in the amino acid substitution p.Val87Ala. To our knowledge, this variant has not been reported in the literature. This variant is reported in 0.0033% of alleles in individuals of South Asian descent in gnomAD. At this time, the clinical significance of this variant is uncertain due to the absence of conclusive functional and genetic evidence.

NM_020738.4(KIDINS220):c.260T>C (p.Val87Ala)

Gene: KIDINS220 (kinase D interacting substrate 220; minus strand). Cytogenetic location: 2p25.1.
Variant type: single nucleotide variant.
Coding change: c.260T>C on transcript NM_020738.4 (MANE Select); coding-DNA position 260, T replaced by C.
Protein change: p.Val87Ala; replaces valine 87 with alanine.
Molecular consequence: missense variant. On other transcripts: non-coding transcript variant (2).
Genome position (GRCh38, 1-based): chr2:8,817,664, A>G on the plus strand (T>C on the coding strand, the complement: KIDINS220 is on the minus strand). VCF-style: chr2-8817664-A-G. GRCh37 (hg19) VCF-style: chr2-8957794-A-G.
Other names: c.260T>C, p.Val87Ala (NM_001348729.2, NM_001348731.2, NM_001348732.2 and 9 more transcripts); c.134T>C, p.Val45Ala (NM_001348736.2); short protein forms V45A, V87A.
Identifiers: ClinVar variation 3357281 (VCV003357281.1).